The following is an entry in ClinVar:

ClinVar aggregate classification (germline): Uncertain significance. Review status: criteria provided, multiple submitters, no conflicts (2 of 4 stars). 2 submissions from 2 submitters: Uncertain significance (2). Last evaluated 2026-01-12.

Conditions:
Ehlers-Danlos syndrome, dermatosparaxis type. Also called: Dermatosparaxis; EDS VIIC; Ehlers-Danlos syndrome, type VII, autosomal recessive. Identifiers: Orphanet 1901, MedGen C2700425, MONDO:0009161, OMIM 225410.

Submissions (2):

Women's Health and Genetics/Laboratory Corporation of America, LabCorp
Classification: Uncertain significance. Last evaluated: 2026-01-12. Review status: criteria provided, single submitter. Criteria: LabCorp Variant Classification Summary - May 2015. Collection method: clinical testing. Allele origin: germline.
Comment: Variant summary: ADAMTS2 c.3047_3048delinsTC (p.Arg1016Leu) results in a non-conservative amino acid change in the encoded protein sequence. Algorithms developed to predict the effect of missense changes on protein structure and function are either unavailable or do not agree on the potential impact of this missense change. The variant was absent in 186932 control chromosomes. The available data on variant occurrences in the general population are insufficient to allow any conclusion about variant significance. To our knowledge, no occurrence of c.3047_3048delinsTC in individuals affected with ADAMTS2-related conditions and no experimental evidence demonstrating its impact on protein function have been reported. ClinVar contains an entry for this variant (Variation ID: 1045182). Based on the evidence outlined above, the variant was classified as uncertain significance.

Labcorp Genetics (formerly Invitae), Labcorp
Classification: Uncertain significance for Ehlers-Danlos syndrome, dermatosparaxis type. Last evaluated: 2021-08-27. Review status: criteria provided, single submitter. Criteria: Invitae Variant Classification Sherloc (09022015). Collection method: clinical testing. Allele origin: germline.

NM_014244.5(ADAMTS2):c.3047_3048delinsTC (p.Arg1016Leu)

Gene: ADAMTS2 (ADAM metallopeptidase with thrombospondin type 1 motif 2; minus strand). Cytogenetic location: 5q35.3.
Variant type: Indel.
Coding change: c.3047_3048delinsTC on transcript NM_014244.5 (MANE Select); coding-DNA positions 3047 to 3048, GT replaced by TC.
Protein change: p.Arg1016Leu; replaces arginine 1016 with leucine.
Molecular consequence: missense variant.
Genome position (GRCh38, 1-based): chr5:179,122,684-179,122,685, AC replaced by GA on the plus strand (GT replaced by TC on the coding strand, the reverse complement: ADAMTS2 is on the minus strand). VCF-style: chr5-179122684-AC-GA. GRCh37 (hg19) VCF-style: chr5-178549685-AC-GA.
Other names: short protein forms R1016L.
Identifiers: ClinVar variation 1045182 (VCV001045182.5), dbSNP rs1762785033, ClinGen allele CA2497132034.